The following is an entry in ClinVar:

NM_016139.4(CHCHD2):c.167T>C (p.Met56Thr)

Gene: CHCHD2 (coiled-coil-helix-coiled-coil-helix domain containing 2; minus strand). Cytogenetic location: 7p11.2.
Variant type: single nucleotide variant.
Coding change: c.167T>C on transcript NM_016139.4 (MANE Select); coding-DNA position 167, T replaced by C.
Protein change: p.Met56Thr; replaces methionine 56 with threonine.
Molecular consequence: missense variant.
Genome position (GRCh38, 1-based): chr7:56,104,359, A>G on the plus strand (T>C on the coding strand, the complement: CHCHD2 is on the minus strand). VCF-style: chr7-56104359-A-G. GRCh37 (hg19) VCF-style: chr7-56172052-A-G.
Other names: c.167T>C, p.Met56Thr (NM_001320327.2); short protein forms M56T.
Identifiers: ClinVar variation 3368412 (VCV003368412.1).

ClinVar aggregate classification (germline): Uncertain significance (1 of 4 stars; one submission).

Submission:

GeneDx
Classification: Uncertain significance. Last evaluated: 2024-01-30. Review status: criteria provided, single submitter. Criteria: GeneDx Variant Classification Process June 2021. Collection method: clinical testing. Allele origin: germline. Affected: yes.
Comment: Not observed at significant frequency in large population cohorts (gnomAD); In silico analysis supports that this missense variant has a deleterious effect on protein structure/function; Has not been previously published as pathogenic or benign to our knowledge